The following is an entry in ClinVar:

ClinVar aggregate classification (germline): Uncertain significance. Review status: criteria provided, multiple submitters, no conflicts (2 of 4 stars). 2 submissions from 2 submitters: Uncertain significance (2). Last evaluated 2025-02-28.

Allele frequency attached by ClinVar (database versions not stated): TOPMed 0.00001.

Submissions (2):

Women's Health and Genetics/Laboratory Corporation of America, LabCorp
Classification: Uncertain significance. Last evaluated: 2025-02-28. Review status: criteria provided, single submitter. Criteria: LabCorp Variant Classification Summary - May 2015. Collection method: clinical testing. Allele origin: germline.
Comment: Variant summary: F8 c.521C>T (p.Thr174Ile) results in a non-conservative amino acid change in the encoded protein sequence. Five of five in-silico tools predict a damaging effect of the variant on protein function. The variant was absent in 183439 control chromosomes. The available data on variant occurrences in the general population are insufficient to allow any conclusion about variant significance. c.521C>T has been reported in the literature in at least one individual affected with Factor VIII Deficiency (Hemophilia A) (e.g., Johnsen_2022). These data do not allow any conclusion about variant significance. To our knowledge, no experimental evidence demonstrating an impact on protein function has been reported. The following publication has been ascertained in the context of this evaluation (PMID: 35770352). ClinVar contains an entry for this variant (Variation ID: 2428583). Based on the evidence outlined above, the variant was classified as uncertain significance.

ARUP Laboratories, Molecular Genetics and Genomics, ARUP Laboratories
Classification: Uncertain significance. Last evaluated: 2022-05-10. Review status: criteria provided, single submitter. Criteria: ARUP Molecular Germline Variant Investigation Process 2021. Collection method: clinical testing. Allele origin: germline.
Comment: The F8 c.521C>T; p.Thr174Ile variant (rs1603436430), to our knowledge, is not reported in the medical literature or gene specific databases. This variant is also absent from the Genome Aggregation Database, indicating it is not a common polymorphism. The threonine at codon 174 is highly conserved, and computational analyses predict that this variant is deleterious (REVEL: 0.959). Additionally, other variants at this codon (c.520A>G, p.Thr174Ala; c.521C>A, p.Thr174Asn) have been reported in individuals with hemophilia (Gouw 2011, Green 2008, Ma 2008). However, due to limited information, the clinical significance of the p.Thr174Ile variant is uncertain at this time. References: Gouw SC et al. Influence of the type of F8 gene mutation on inhibitor development in a single centre cohort of severe haemophilia A patients. Haemophilia. 2011 Mar;17(2):275-81. PMID: 21070499. Green PM et al. Haemophilia A mutations in the UK: results of screening one-third of the population. Br J Haematol. 2008 Oct;143(1):115-28. PMID: 18691168. Ma GC et al. The spectrum of the factor 8 (F8) defects in Taiwanese patients with haemophilia A. Haemophilia. 2008 Jul;14(4):787-95. PMID: 18371163.

Literature cited by the submitters: PubMed 35770352 (cited by Women's Health and Genetics/Laboratory Corporation of America, LabCorp).

NM_000132.4(F8):c.521C>T (p.Thr174Ile)

Gene: F8 (coagulation factor VIII; minus strand). Cytogenetic location: Xq28.
Variant type: single nucleotide variant.
Coding change: c.521C>T on transcript NM_000132.4 (MANE Select); coding-DNA position 521, C replaced by T.
Protein change: p.Thr174Ile; replaces threonine 174 with isoleucine.
Molecular consequence: missense variant.
Genome position (GRCh38, 1-based): chrX:154,993,016, G>A on the plus strand (C>T on the coding strand, the complement: F8 is on the minus strand). VCF-style: chrX-154993016-G-A. GRCh37 (hg19) VCF-style: chrX-154221291-G-A.
Other names: short protein forms T174I.
Identifiers: ClinVar variation 2428583 (VCV002428583.3), dbSNP rs1603436430, ClinGen allele CA414919533.